The following is an entry in ClinVar:

ClinVar aggregate classification (germline): Uncertain significance. Review status: criteria provided, multiple submitters, no conflicts (2 of 4 stars). 2 submissions from 2 submitters: Uncertain significance (2). Last evaluated 2021-08-14.

Conditions:
Polyendocrine-polyneuropathy syndrome (PEPNS). Identifiers: Orphanet 453533, MedGen C4015261, MONDO:0014497, OMIM 616113.

Allele frequency attached by ClinVar (database versions not stated): gnomAD exomes below 0.00001; TOPMed 0.00001.
gnomAD v4.1: 2 of 1,614,152 alleles (0.00012%); highest among the groups gnomAD compares: Non-Finnish European, 0.00017%; no homozygotes.

Submissions (2):

Labcorp Genetics (formerly Invitae), Labcorp
Classification: Uncertain significance. Last evaluated: 2021-08-14. Review status: criteria provided, single submitter. Criteria: Invitae Variant Classification Sherloc (09022015). Collection method: clinical testing. Allele origin: germline.
Comment: This sequence change replaces valine with isoleucine at codon 1129 of the DMXL2 protein (p.Val1129Ile). The valine residue is moderately conserved and there is a small physicochemical difference between valine and isoleucine. This variant is not present in population databases (ExAC no frequency). This variant has not been reported in the literature in individuals affected with DMXL2-related conditions. Algorithms developed to predict the effect of missense changes on protein structure and function output the following: SIFT: "Tolerated"; PolyPhen-2: "Benign"; Align-GVGD: "Class C0". The isoleucine amino acid residue is found in multiple mammalian species, which suggests that this missense change does not adversely affect protein function. In summary, the available evidence is currently insufficient to determine the role of this variant in disease. Therefore, it has been classified as a Variant of Uncertain Significance.

Victorian Clinical Genetics Services, Murdoch Childrens Research Institute
Classification: Uncertain significance for Polyendocrine-polyneuropathy syndrome. Last evaluated: 2020-05-26. Review status: criteria provided, single submitter. Criteria: ACMG Guidelines, 2015. Collection method: clinical testing. Allele origin: germline. Inheritance: Autosomal dominant inheritance.
Comment: Based on the classification scheme VCGS_Germline_v1.1.1, this variant is classified as 3C-VUS. Following criteria are met: 0102 - Loss-of-function is a known mechanism of disease for this gene. (N) 0106 - This gene is known to be associated with autosomal recessive disease. (N) 0200 - Variant is predicted to result in a missense amino acid change from valine to isoleucine (exon 18). (N) 0251 - Variant is heterozygous. (N) 0301 - Variant is absent from gnomAD. (P) 0504 - Same amino acid change has been observed in mammals. (B) 0604 - Variant is not located in an established domain, motif, hotspot or informative constraint region. (N) 0705 - No comparable variants have previous evidence for pathogenicity. (N) 0807 - Variant has not previously been reported in a clinical context. (N) 0905 - No segregation evidence has been identified for this variant. (N) 1007 - No published functional evidence has been identified for this variant. (N) 1208 - Inheritance information for this variant is not currently available. (N) Legend: (P) - Pathogenic, (N) - Neutral, (B) - Benign

NM_001378457.1(DMXL2):c.3385G>A (p.Val1129Ile)

Gene: DMXL2 (Dmx like 2; minus strand). Cytogenetic location: 15q21.2.
Variant type: single nucleotide variant.
Coding change: c.3385G>A on transcript NM_001378457.1 (MANE Select); coding-DNA position 3385, G replaced by A.
Protein change: p.Val1129Ile; replaces valine 1129 with isoleucine.
Molecular consequence: missense variant. On other transcripts: non-coding transcript variant (2), intron variant (2).
Genome position (GRCh38, 1-based): chr15:51,499,839, C>T on the plus strand (G>A on the coding strand, the complement: DMXL2 is on the minus strand). VCF-style: chr15-51499839-C-T. GRCh37 (hg19) VCF-style: chr15-51792036-C-T.
Other names: c.3385G>A, p.Val1129Ile (NM_001174116.3, NM_001378458.1, NM_015263.5 and 4 more transcripts); c.2764+7295G>A (NM_001378460.1); c.2765-4705G>A (NM_001174117.3); c.3145G>A, p.Val1049Ile (NM_001378464.1); short protein forms V1129I, V1049I.
Identifiers: ClinVar variation 1463102 (VCV001463102.8), dbSNP rs2043456849, ClinGen allele CA392436538.